The following is an entry in ClinVar:

NM_001083116.3(PRF1):c.111C>T (p.Phe37=)

Gene: PRF1 (perforin 1; minus strand). Cytogenetic location: 10q22.1.
Variant type: single nucleotide variant.
Coding change: c.111C>T on transcript NM_001083116.3 (MANE Select); coding-DNA position 111, C replaced by T.
Protein change: p.Phe37=; no amino-acid change (phenylalanine 37 retained).
Molecular consequence: synonymous variant.
Genome position (GRCh38, 1-based): chr10:70,600,792, G>A on the plus strand (C>T on the coding strand, the complement: PRF1 is on the minus strand). VCF-style: chr10-70600792-G-A. GRCh37 (hg19) VCF-style: chr10-72360548-G-A.
Other names: c.111C>T, p.Phe37= (NM_005041.6).
Identifiers: ClinVar variation 785783 (VCV000785783.20), dbSNP rs547321451, ClinGen allele CA5539122.
Genomic context (GRCh38, chr10:70,600,792, plus strand): 5'-GCCCGAGCGGCGGAGGCTGGTCACGTCCACACCCTCCCCGGCCAGCCATGCACCAGGCAC[G>A]AACTTGTGGCTGCGCTTGCACTCTGAGCGTGCGGCTGTGTGGCACGGGGCAGGGACGGGC-3'
Protein context (NP_001076585.1, residues 27-47): ARSECKRSHK[Phe37=]VPGAWLAGEG

ClinVar aggregate classification (germline): Conflicting classifications of pathogenicity. Review status: criteria provided, conflicting classifications (1 of 4 stars). 5 submissions from 5 submitters: Uncertain significance (1); Benign (3). 1 of the submissions does not count toward it. Last evaluated 2026-08-01.

Conditions:
PRF1-related disorder. Also called: PRF1-related condition.
Familial hemophagocytic lymphohistiocytosis 2 (FHL2). Also called: PRF1-Related Familial Hemophagocytic Lymphohistiocytosis (PRF1-fHLH). Identifiers: Orphanet 540, MedGen C1863727, MONDO:0011337, OMIM 603553.
Autoinflammatory syndrome. Identifiers: Orphanet 93665, MedGen C3890737, MONDO:0019751.

Allele frequency attached by ClinVar (database versions not stated): gnomAD 0.00001 and 0.00052; TOPMed 0.00009; gnomAD exomes 0.00092 and 0.00193; ExAC 0.00234; 1000 Genomes Project 30x 0.00250; 1000 Genomes Project 0.00280.

Submissions (5):

CeGaT Center for Human Genetics Tuebingen
Classification: Benign. Last evaluated: 2026-08-01. Review status: criteria provided, single submitter. Criteria: CeGaT Center For Human Genetics Tuebingen Variant Classification Criteria Version 2. Collection method: clinical testing. Allele origin: germline. Affected: yes. Observed: 1 variant allele.
Comment: PRF1: BP4, BP7, BS1, BS2

Labcorp Genetics (formerly Invitae), Labcorp
Classification: Benign for Familial hemophagocytic lymphohistiocytosis 2. Last evaluated: 2026-01-28. Review status: criteria provided, single submitter. Criteria: Invitae Variant Classification Sherloc (09022015). Collection method: clinical testing. Allele origin: germline.

Genome Diagnostics Laboratory, The Hospital for Sick Children
Classification: Benign for Autoinflammatory syndrome. Last evaluated: 2020-12-04. Review status: criteria provided, single submitter. Criteria: ACMG Guidelines, 2015. Collection method: clinical testing. Allele origin: germline. Affected: yes.

Illumina Laboratory Services, Illumina
Classification: Uncertain significance for Familial hemophagocytic lymphohistiocytosis 2. Last evaluated: 2017-04-27. Review status: criteria provided, single submitter. Criteria: ICSL Variant Classification Criteria 13 December 2019. Collection method: clinical testing. Allele origin: germline.

PreventionGenetics, part of Exact Sciences
Classification: Likely benign for PRF1-related condition. Last evaluated: 2024-05-22. Review status: no assertion criteria provided. Collection method: clinical testing. Allele origin: germline. Not counted in ClinVar's aggregate classification.
Comment: This variant is classified as likely benign based on ACMG/AMP sequence variant interpretation guidelines (Richards et al. 2015 PMID: 25741868, with internal and published modifications).